The following is an entry in ClinVar:

ClinVar aggregate classification (germline): Uncertain significance (1 of 4 stars; one submission).

gnomAD v4.1: 1 of 1,612,234 alleles (0.000062%); highest among the groups gnomAD compares: African/African-American, 0.0013%; no homozygotes.

Submission:

Ambry Genetics
Classification: Uncertain significance. Last evaluated: 2025-02-21. Review status: criteria provided, single submitter. Criteria: Ambry Variant Classification Scheme 2023. Collection method: clinical testing. Allele origin: germline.
Comment: The p.C206W variant (also known as c.618C>G), located in coding exon 6 of the SRP72 gene, results from a C to G substitution at nucleotide position 618. The cysteine at codon 206 is replaced by tryptophan, an amino acid with highly dissimilar properties. This amino acid position is conserved. In addition, this alteration is predicted to be deleterious by in silico analysis. Based on the available evidence, the clinical significance of this variant remains unclear.

NM_006947.4(SRP72):c.618C>G (p.Cys206Trp)

Gene: SRP72 (signal recognition particle 72; plus strand). Cytogenetic location: 4q12.
Variant type: single nucleotide variant.
Coding change: c.618C>G on transcript NM_006947.4 (MANE Select); coding-DNA position 618, C replaced by G.
Protein change: p.Cys206Trp; replaces cysteine 206 with tryptophan.
Molecular consequence: missense variant. On other transcripts: non-coding transcript variant (1).
Genome position (GRCh38, 1-based): chr4:56,476,678, C>G. VCF-style: chr4-56476678-C-G. GRCh37 (hg19) VCF-style: chr4-57342844-C-G.
Other names: c.618C>G, p.Cys206Trp (NM_001267722.2); short protein forms C206W.
Identifiers: ClinVar variation 3801499 (VCV003801499.1).